The following is an entry in ClinVar:

NM_000393.5(COL5A2):c.2072A>C (p.Lys691Thr)

Gene: COL5A2 (collagen type V alpha 2 chain; minus strand). Cytogenetic location: 2q32.2.
Variant type: single nucleotide variant.
Coding change: c.2072A>C on transcript NM_000393.5 (MANE Select); coding-DNA position 2072, A replaced by C.
Protein change: p.Lys691Thr; replaces lysine 691 with threonine.
Molecular consequence: missense variant.
Genome position (GRCh38, 1-based): chr2:189,060,743, T>G on the plus strand (A>C on the coding strand, the complement: COL5A2 is on the minus strand). VCF-style: chr2-189060743-T-G. GRCh37 (hg19) VCF-style: chr2-189925469-T-G.
Other names: short protein forms K691T.
Identifiers: ClinVar variation 392248 (VCV000392248.3), dbSNP rs142224646, ClinGen allele CA2022469.
Genomic context (GRCh38, chr2:189,060,743, plus strand): 5'-GAGCCAGCAATGTATAGTGTTGCCATTATTATTATTTAAACACTTACTTGATCACCTGGT[T>G]TTCCACCTTCTCCAGGAGGCCCTGGAGGACCAGGAAGCCCCTAAAACAAAAGTAAGAAAA-3'
Protein context (NP_000384.2, residues 681-701): GPPGPPGEGG[Lys691Thr]PGDQGVPGDP

ClinVar aggregate classification (germline): Uncertain significance. Review status: criteria provided, multiple submitters, no conflicts (2 of 4 stars). 2 submissions from 2 submitters: Uncertain significance (2). Last evaluated 2025-06-19.

Conditions:
Ehlers-Danlos syndrome, classic type, 1 (EDSCL1). Also called: EHLERS-DANLOS SYNDROME, GRAVIS TYPE; EHLERS-DANLOS SYNDROME, SEVERE CLASSIC TYPE; Ehlers-Danlos Syndrome, Classic Type, COL5A1-Related; EDS I; Ehlers-Danlos syndrome, type 1. Identifiers: MedGen C0268335, MONDO:0019567, OMIM 130000.

Allele frequency attached by ClinVar (database versions not stated): TOPMed 0.00002; ExAC below 0.00001.
gnomAD v4.1: 3 of 1,613,366 alleles (0.00019%); highest among the groups gnomAD compares: African/African-American, 0.004%; no homozygotes.

Submissions (2):

Labcorp Genetics (formerly Invitae), Labcorp
Classification: Uncertain significance for Ehlers-Danlos syndrome, classic type, 1. Last evaluated: 2025-06-19. Review status: criteria provided, single submitter. Criteria: Invitae Variant Classification Sherloc (09022015). Collection method: clinical testing. Allele origin: germline.
Comment: This sequence change replaces lysine, which is basic and polar, with threonine, which is neutral and polar, at codon 691 of the COL5A2 protein (p.Lys691Thr). This variant is not present in population databases (gnomAD no frequency). This variant has not been reported in the literature in individuals affected with COL5A2-related conditions. ClinVar contains an entry for this variant (Variation ID: 392248). Invitae Evidence Modeling of protein sequence and biophysical properties (such as structural, functional, and spatial information, amino acid conservation, physicochemical variation, residue mobility, and thermodynamic stability) indicates that this missense variant is not expected to disrupt COL5A2 protein function with a negative predictive value of 80%. In summary, the available evidence is currently insufficient to determine the role of this variant in disease. Therefore, it has been classified as a Variant of Uncertain Significance.

GeneDx
Classification: Uncertain significance. Last evaluated: 2016-12-30. Review status: criteria provided, single submitter. Criteria: GeneDx Variant Classification (06012015). Collection method: clinical testing. Allele origin: germline. Affected: yes.
Comment: A variant of uncertain significance has been identified in the COL5A2 gene. The K691T variant has not been published as a pathogenic variant, nor has it been reported as a benign variant to our knowledge. The K691T variant was not observed in approximately 6,500 individuals of European and African American ancestry in the NHLBI Exome Sequencing Project, indicating it is not a common benign variant in these populations. The K691T variant is a semi-conservative amino acid substitution, which may impact secondary protein structure as these residues differ in some properties. Furthermore, this substitution occurs at a position that is conserved across species and in silico analysis predicts this variant is probably damaging to the protein structure/function. Nevertheless, the K691T variant does not affect a Glycine residue in a Gly-X-Y motif in the triple helical region of the COL5A2 gene, where the majority of pathogenic missense variants occur (Stenson et al., 2014; Symoens et al., 2012). However, in contrast to several other collagen genes, relatively few pathogenic Glycine substitutions have been reported in COL5A2 in association with Ehlers-Danlos syndrome. Most pathogenic variants in COL5A2 are in-frame splice site changes that cause exon skipping (Symoens et al., 2012).Therefore, based on the currently available information, it is unclear whether this variant is pathogenic or rare benign.